The following is an entry in ClinVar:

NM_001330260.2(SCN8A):c.4282-233C>T

Gene: SCN8A (sodium voltage-gated channel alpha subunit 8; plus strand). Cytogenetic location: 12q13.13.
Variant type: single nucleotide variant.
Coding change: c.4282-233C>T on transcript NM_001330260.2 (MANE Select); 233 bases into the intron before coding-DNA position 4282, C replaced by T.
Molecular consequence: intron variant.
Genome position (GRCh38, 1-based): chr12:51,789,048, C>T. VCF-style: chr12-51789048-C-T. GRCh37 (hg19) VCF-style: chr12-52182832-C-T.
Other names: c.4282-233C>T (NM_014191.4); c.4159-233C>T (NM_001177984.3, NM_001369788.1).
Identifiers: ClinVar variation 677384 (VCV000677384.2), dbSNP rs79849129, ClinGen allele CA236329217.
Genomic context (GRCh38, chr12:51,789,048, plus strand): 5'-AAGCTGTCTATGCTTCAATCCTGCTTCATAGCAAAAGTATGGCTCCTAGCAGACAGCCCT[C>T]CCTCCCTGTGGCCTCATGATTTGCATGTTCTCCACATGAGTCAGAGGACGACTAGTGTCC-3'

ClinVar aggregate classification (germline): Likely benign. Review status: criteria provided, multiple submitters, no conflicts (2 of 4 stars). 2 submissions from 2 submitters: Likely benign (2). Last evaluated 2018-06-14.

Allele frequency attached by ClinVar (database versions not stated): gnomAD 0.00803 and 0.00860; TOPMed 0.00901; 1000 Genomes Project 0.00938; 1000 Genomes Project 30x 0.01046.
gnomAD v4.1: 1,211 of 152,270 alleles (0.8%); highest among the groups gnomAD compares: African/African-American, 2.8%; 25 homozygotes.

Submissions (2):

GeneDx
Classification: Likely benign. Last evaluated: 2018-06-14. Review status: criteria provided, single submitter. Criteria: GeneDx Variant Classification (06012015). Collection method: clinical testing. Allele origin: germline. Affected: yes.
Comment: This variant is considered likely benign or benign based on one or more of the following criteria: it is a conservative change, it occurs at a poorly conserved position in the protein, it is predicted to be benign by multiple in silico algorithms, and/or has population frequency not consistent with disease.

Breakthrough Genomics
Classification: Likely benign. Review status: criteria provided, single submitter. Criteria: ACMG Guidelines, 2015. Collection method: not provided. Allele origin: germline. Inheritance: Autosomal dominant inheritance. Affected: yes.